The following is an entry in ClinVar:

ClinVar aggregate classification (germline): Uncertain significance (1 of 4 stars; one submission).

gnomAD v4.1: 8 of 1,613,098 alleles (0.0005%); highest among the groups gnomAD compares: South Asian, 0.0022%; no homozygotes.

Submission:

Labcorp Genetics (formerly Invitae), Labcorp
Classification: Uncertain significance. Last evaluated: 2024-09-27. Review status: criteria provided, single submitter. Criteria: Invitae Variant Classification Sherloc (09022015). Collection method: clinical testing. Allele origin: germline.
Comment: This sequence change replaces asparagine, which is neutral and polar, with aspartic acid, which is acidic and polar, at codon 1983 of the RTTN protein (p.Asn1983Asp). This variant is not present in population databases (gnomAD no frequency). This variant has not been reported in the literature in individuals affected with RTTN-related conditions. ClinVar contains an entry for this variant (Variation ID: 1985020). Invitae Evidence Modeling of protein sequence and biophysical properties (such as structural, functional, and spatial information, amino acid conservation, physicochemical variation, residue mobility, and thermodynamic stability) indicates that this missense variant is not expected to disrupt RTTN protein function with a negative predictive value of 80%. In summary, the available evidence is currently insufficient to determine the role of this variant in disease. Therefore, it has been classified as a Variant of Uncertain Significance.

NM_173630.4(RTTN):c.5947A>G (p.Asn1983Asp)

Gene: RTTN (rotatin; minus strand). Cytogenetic location: 18q22.2.
Variant type: single nucleotide variant.
Coding change: c.5947A>G on transcript NM_173630.4 (MANE Select); coding-DNA position 5947, A replaced by G.
Protein change: p.Asn1983Asp; replaces asparagine 1983 with aspartic acid.
Molecular consequence: missense variant.
Genome position (GRCh38, 1-based): chr18:70,024,725, T>C on the plus strand (A>G on the coding strand, the complement: RTTN is on the minus strand). VCF-style: chr18-70024725-T-C. GRCh37 (hg19) VCF-style: chr18-67691961-T-C.
Other names: c.3211A>G, p.Asn1071Asp (NM_001318520.2); short protein forms N1071D, N1983D.
Identifiers: ClinVar variation 1985020 (VCV001985020.3), dbSNP rs781526181, ClinGen allele CA8994811.